The following is an entry in ClinVar:

NM_005591.4(MRE11):c.1850A>C (p.Asn617Thr)

Gene: MRE11 (MRE11 double strand break repair nuclease; minus strand). Cytogenetic location: 11q21.
Variant type: single nucleotide variant.
Coding change: c.1850A>C on transcript NM_005591.4 (MANE Select); coding-DNA position 1850, A replaced by C.
Protein change: p.Asn617Thr; replaces asparagine 617 with threonine.
Molecular consequence: missense variant. On other transcripts: intron variant (1).
Genome position (GRCh38, 1-based): chr11:94,445,827, T>G on the plus strand (A>C on the coding strand, the complement: MRE11 is on the minus strand). VCF-style: chr11-94445827-T-G. GRCh37 (hg19) VCF-style: chr11-94178993-T-G.
Other names: c.1847A>C, p.Asn616Thr (NM_001330347.2); c.1783+1392A>C (NM_005590.4); short protein forms N616T, N617T.
Identifiers: ClinVar variation 1016826 (VCV001016826.8), dbSNP rs774012780, ClinGen allele CA6234980.

ClinVar aggregate classification (germline): Uncertain significance (1 of 4 stars; one submission).

Conditions:
Ataxia-telangiectasia-like disorder (ATLD). Identifiers: MedGen C1858391, MONDO:0011457.

Allele frequency attached by ClinVar (database versions not stated): gnomAD exomes below 0.00001 and 0.00001; ExAC 0.00002.
gnomAD v4.1: 2 of 1,611,482 alleles (0.00012%); highest among the groups gnomAD compares: Admixed American, 0.0017%; no homozygotes.

Submission:

Labcorp Genetics (formerly Invitae), Labcorp
Classification: Uncertain significance for Ataxia-telangiectasia-like disorder. Last evaluated: 2020-01-08. Review status: criteria provided, single submitter. Criteria: Invitae Variant Classification Sherloc (09022015). Collection method: clinical testing. Allele origin: germline.
Comment: In summary, the available evidence is currently insufficient to determine the role of this variant in disease. Therefore, it has been classified as a Variant of Uncertain Significance. Algorithms developed to predict the effect of missense changes on protein structure and function (SIFT, PolyPhen-2, Align-GVGD) all suggest that this variant is likely to be tolerated, but these predictions have not been confirmed by published functional studies and their clinical significance is uncertain. This variant has not been reported in the literature in individuals with MRE11-related conditions. This variant is present in population databases (rs774012780, ExAC 0.009%). This sequence change replaces asparagine with threonine at codon 617 of the MRE11 protein (p.Asn617Thr). The asparagine residue is moderately conserved and there is a small physicochemical difference between asparagine and threonine.